The following is an entry in ClinVar:

ClinVar aggregate classification (germline): Uncertain significance (1 of 4 stars; one submission).

Allele frequency attached by ClinVar (database versions not stated): gnomAD exomes below 0.00001.
gnomAD v4.1: 2 of 1,208,636 alleles (0.00017%); highest among the groups gnomAD compares: Non-Finnish European, 0.00022%; no homozygotes.

Submission:

Labcorp Genetics (formerly Invitae), Labcorp
Classification: Uncertain significance. Last evaluated: 2022-08-22. Review status: criteria provided, single submitter. Criteria: Invitae Variant Classification Sherloc (09022015). Collection method: clinical testing. Allele origin: germline.
Comment: In summary, the available evidence is currently insufficient to determine the role of this variant in disease. Therefore, it has been classified as a Variant of Uncertain Significance. Algorithms developed to predict the effect of missense changes on protein structure and function are either unavailable or do not agree on the potential impact of this missense change (SIFT: "Deleterious"; PolyPhen-2: "Not Available"; Align-GVGD: "Class C15"). This variant has not been reported in the literature in individuals affected with DDX3X-related conditions. This variant is not present in population databases (gnomAD no frequency). This sequence change replaces leucine, which is neutral and non-polar, with phenylalanine, which is neutral and non-polar, at codon 344 of the DDX3X protein (p.Leu344Phe).

NM_001356.5(DDX3X):c.1032G>C (p.Leu344Phe)

Gene: DDX3X (DEAD-box helicase 3 X-linked; plus strand). Cytogenetic location: Xp11.4.
Variant type: single nucleotide variant.
Coding change: c.1032G>C on transcript NM_001356.5 (MANE Select); coding-DNA position 1032, G replaced by C.
Protein change: p.Leu344Phe; replaces leucine 344 with phenylalanine.
Molecular consequence: missense variant. On other transcripts: non-coding transcript variant (1).
Genome position (GRCh38, 1-based): chrX:41,345,186, G>C. VCF-style: chrX-41345186-G-C. GRCh37 (hg19) VCF-style: chrX-41204439-G-C.
Other names: c.1032G>C, p.Leu344Phe (NM_001193416.3); c.984G>C, p.Leu328Phe (NM_001193417.3); c.474G>C, p.Leu158Phe (NM_001363819.1); short protein forms L158F, L328F, L344F.
Identifiers: ClinVar variation 1715367 (VCV001715367.5), dbSNP rs2063907779, ClinGen allele CA412771234.